The following is an entry in ClinVar:

ClinVar aggregate classification (germline): Uncertain significance (1 of 4 stars; one submission).

Conditions:
Epidermolysis bullosa simplex 5C, with pyloric atresia (EBS5C). Also called: PLEC-Related Epidermolysis Bullosa with Pyloric Atresia; Epidermolysis bullosa simplex with pyloric atresia; PLEC1-Related Epidermolysis Bullosa with Pyloric Atresia. Identifiers: Orphanet 158684, MedGen C2677349, MONDO:0012807, OMIM 612138.
Autosomal recessive limb-girdle muscular dystrophy type 2Q (LGMDR17). Also called: MUSCULAR DYSTROPHY, LIMB-GIRDLE, AUTOSOMAL RECESSIVE 17. Identifiers: Orphanet 254361, MedGen C3150989, MONDO:0013390, OMIM 613723.
Epidermolysis bullosa simplex 5B, with muscular dystrophy (EBS5B). Also called: Epidermolysis bullosa simplex with muscular dystrophy; EPIDERMOLYSIS BULLOSA SIMPLEX AND LIMB-GIRDLE MUSCULAR DYSTROPHY. Identifiers: Orphanet 257, MedGen C2931072, MONDO:0009181, OMIM 226670.
Epidermolysis bullosa simplex, Ogna type (EBS5A). Also called: EPIDERMOLYSIS BULLOSA SIMPLEX 5A, OGNA TYPE; Pidermolysis bullosa simplex 5A, Ogna type. Identifiers: Orphanet 79401, MedGen C0432317, MONDO:0007555, OMIM 131950.
Epidermolysis bullosa simplex with nail dystrophy (EBS5D). Identifiers: MedGen C4225309, MONDO:0014661, OMIM 616487.

Submission:

Labcorp Genetics (formerly Invitae), Labcorp
Classification: Uncertain significance for Autosomal recessive limb-girdle muscular dystrophy type 2Q; Epidermolysis bullosa simplex, Ogna type; Epidermolysis bullosa simplex with nail dystrophy; Epidermolysis bullosa simplex 5C, with pyloric atresia; Epidermolysis bullosa simplex 5B, with muscular dystrophy. Last evaluated: 2022-07-25. Review status: criteria provided, single submitter. Criteria: Invitae Variant Classification Sherloc (09022015). Collection method: clinical testing. Allele origin: germline.
Comment: Algorithms developed to predict the effect of missense changes on protein structure and function are either unavailable or do not agree on the potential impact of this missense change (SIFT: "Deleterious"; PolyPhen-2: "Not Available"; Align-GVGD: "Class C65"). In summary, the available evidence is currently insufficient to determine the role of this variant in disease. Therefore, it has been classified as a Variant of Uncertain Significance. This variant has not been reported in the literature in individuals affected with PLEC-related conditions. This variant is not present in population databases (gnomAD no frequency). This sequence change replaces glutamic acid, which is acidic and polar, with glycine, which is neutral and non-polar, at codon 663 of the PLEC protein (p.Glu663Gly).

NM_201384.3(PLEC):c.1907A>G (p.Glu636Gly)

Gene: PLEC (plectin; minus strand). Cytogenetic location: 8q24.3.
Variant type: single nucleotide variant.
Coding change: c.1907A>G on transcript NM_201384.3 (MANE Select); coding-DNA position 1907, A replaced by G.
Protein change: p.Glu636Gly; replaces glutamic acid 636 with glycine.
Molecular consequence: missense variant.
Genome position (GRCh38, 1-based): chr8:143,932,470, T>C on the plus strand (A>G on the coding strand, the complement: PLEC is on the minus strand). VCF-style: chr8-143932470-T-C. GRCh37 (hg19) VCF-style: chr8-145006638-T-C.
Other names: c.1988A>G, p.Glu663Gly (NM_000445.5, NM_001410941.1); c.1865A>G, p.Glu622Gly (NM_201378.4); c.1841A>G, p.Glu614Gly (NM_201379.3); c.2318A>G, p.Glu773Gly (NM_201380.4); c.1811A>G, p.Glu604Gly (NM_201381.3); c.1907A>G, p.Glu636Gly (NM_201382.4); c.1919A>G, p.Glu640Gly (NM_201383.3); short protein forms E604G, E614G, E622G, E636G, E640G, E663G, E773G.
Identifiers: ClinVar variation 1715689 (VCV001715689.6), dbSNP rs1554717004, ClinGen allele CA372578234.